The following is an entry in ClinVar:

ClinVar aggregate classification (germline): Uncertain significance. Review status: criteria provided, multiple submitters, no conflicts (2 of 4 stars). 2 submissions from 2 submitters: Uncertain significance (2). Last evaluated 2025-07-07.

Conditions:
Cardiomyopathy (CMYO). Also called: Cardiomyopathies. Identifiers: Orphanet 167848, MedGen C0878544, MONDO:0004994, HP:0001638. Inheritance: Various modes of inheritance.
Catecholaminergic polymorphic ventricular tachycardia (CVPT). Also called: Catecholamine-induced polymorphic ventricular tachycardia. Identifiers: Orphanet 3286, MedGen C5574922, MONDO:0017990.

Submissions (2):

Color Diagnostics, LLC DBA Color Health
Classification: Uncertain significance for Cardiomyopathy. Last evaluated: 2025-07-07. Review status: criteria provided, single submitter. Criteria: ACMG Guidelines, 2015. Collection method: clinical testing. Allele origin: germline.
Comment: This missense variant replaces aspartic acid with histidine at codon 1184 of the RYR2 protein. Computational prediction is inconclusive regarding the impact of this variant on protein structure and function. To our knowledge, functional studies have not been reported for this variant. This variant has not been reported in individuals affected with RYR2-related disorders in the literature. This variant has not been identified in the general population by the Genome Aggregation Database (gnomAD). The available evidence is insufficient to determine the role of this variant in disease conclusively. Therefore, this variant is classified as a Variant of Uncertain Significance.

All of Us Research Program, National Institutes of Health
Classification: Uncertain significance for Catecholaminergic polymorphic ventricular tachycardia. Last evaluated: 2023-08-15. Review status: criteria provided, single submitter. Criteria: ACMG Guidelines, 2015. Collection method: clinical testing. Allele origin: germline. Inheritance: Autosomal dominant inheritance. Observed: 1 variant allele, 1 heterozygote.
Comment: This study involves interpretation of variants in research participants for the purpose of population health screening. Participant phenotype was not available at the time of variant classification. Additional details can be found in publication PMID: 35346344, PMCID: PMC8962531

NM_001035.3(RYR2):c.3550G>C (p.Asp1184His)

Gene: RYR2 (ryanodine receptor 2; plus strand). Cytogenetic location: 1q43.
Variant type: single nucleotide variant.
Coding change: c.3550G>C on transcript NM_001035.3 (MANE Select); coding-DNA position 3550, G replaced by C.
Protein change: p.Asp1184His; replaces aspartic acid 1184 with histidine.
Molecular consequence: missense variant.
Genome position (GRCh38, 1-based): chr1:237,569,271, G>C. VCF-style: chr1-237569271-G-C. GRCh37 (hg19) VCF-style: chr1-237732571-G-C.
Other names: short protein forms D1184H.
Identifiers: ClinVar variation 3072634 (VCV003072634.2), dbSNP rs1672411657, ClinGen allele CA345390644.
Genomic context (GRCh38, chr1:237,569,271, plus strand): 5'-TGTATGGTTGACATGAACGAACACACCATGATGTTCACACTGAATGGTGAAATCCTTCTT[G>C]ATGATTCAGGCTCAGAACTGGCTTTCAAGGACTTTGATGTTGGCGATGGTAAGTCTACTA-3'
Protein context (NP_001026.2, residues 1174-1194): MFTLNGEILL[Asp1184His]DSGSELAFKD